The following is an entry in ClinVar:

NM_001387430.1(SH2B1):c.1898-252G>A

Gene: SH2B1 (SH2B adaptor protein 1; plus strand). Cytogenetic location: 16p11.2.
Variant type: single nucleotide variant.
Coding change: c.1898-252G>A on transcript NM_001387430.1 (MANE Select); 252 bases into the intron before coding-DNA position 1898, G replaced by A.
Molecular consequence: intron variant. On other transcripts: synonymous variant (4), missense variant (1).
Genome position (GRCh38, 1-based): chr16:28,873,195, G>A. VCF-style: chr16-28873195-G-A. GRCh37 (hg19) VCF-style: chr16-28884516-G-A.
Other names: c.1923G>A, p.Ala641= (NM_001145796.2, NM_001145812.2, NM_015503.3); c.1976G>A, p.Arg659Gln (NM_001145797.2); c.915G>A, p.Ala305= (NM_001308294.2); c.1898-252G>A (NM_001308293.2, NM_001387404.1, NM_001145795.2); c.1976G>A (NM_001145797.1); short protein forms R659Q.
Identifiers: ClinVar variation 745822 (VCV000745822.6), dbSNP rs769627655, ClinGen allele CA7986351.
Genomic context (GRCh38, chr16:28,873,195, plus strand): 5'-CGTCCCATCTGTCCCCACGTTGCCCCTCCCCCCAGGCCGGGAGCAGGCTGGGAGCCATGC[G>A]GGGGTGTGCGAGGGAGATGGATGCCACCCCGATGCCTCCTGCACCCTCATGCCCTTCGGA-3'

ClinVar aggregate classification (germline): Conflicting classifications of pathogenicity. Review status: criteria provided, conflicting classifications (1 of 4 stars). 2 submissions from 2 submitters: Uncertain significance (1); Likely benign (1). Last evaluated 2026-06-02.

Conditions:
SH2B1-related disorder. Also called: SH2B1-related condition.

Allele frequency attached by ClinVar (database versions not stated): gnomAD exomes 0.00001; ExAC 0.00004; gnomAD 0.00006; TOPMed 0.00006.
gnomAD v4.1: 26 of 1,593,278 alleles (0.0016%); highest among the groups gnomAD compares: African/African-American, 0.017%; 1 homozygote.

Submissions (2):

PreventionGenetics, part of Exact Sciences
Classification: Uncertain significance for SH2B1-related condition. Last evaluated: 2026-06-02. Review status: criteria provided, single submitter. Criteria: ACMG Guidelines, 2015. Collection method: clinical testing. Allele origin: germline.
Comment: The SH2B1 c.1976G>A variant is predicted to result in the amino acid substitution p.Arg659Gln. To our knowledge, this variant has not been reported in the literature. This variant is reported in 0.0088% of alleles in individuals of African descent in gnomAD v2 (as displayed in the table above). However, in gnomAD v4 (available only on GRCH38), this variant is reported in 0.017% of alleles in individuals of African descent in gnomAD, including one homozygous individual. This population data is not consistent with this variant being a primary cause of disease. This variant has been interpreted as likely benign in ClinVar (Variation ID:745822). Although we suspect that this variant may be benign, at this time, the clinical significance of this variant is uncertain due to the absence of conclusive functional and genetic evidence.

Labcorp Genetics (formerly Invitae), Labcorp
Classification: Likely benign. Last evaluated: 2018-12-17. Review status: criteria provided, single submitter. Criteria: Invitae Variant Classification Sherloc (09022015). Collection method: clinical testing. Allele origin: germline.